The following is an entry in ClinVar:

NM_000059.4(BRCA2):c.5778T>A (p.Ser1926Arg)

Gene: BRCA2 (BRCA2 DNA repair associated; plus strand). Cytogenetic location: 13q13.1.
Variant type: single nucleotide variant.
Coding change: c.5778T>A on transcript NM_000059.4 (MANE Select); coding-DNA position 5778, T replaced by A.
Protein change: p.Ser1926Arg; replaces serine 1926 with arginine.
Molecular consequence: missense variant.
Genome position (GRCh38, 1-based): chr13:32,340,133, T>A. VCF-style: chr13-32340133-T-A. GRCh37 (hg19) VCF-style: chr13-32914270-T-A.
Other names: short protein forms S1926R.
Identifiers: ClinVar variation 185452 (VCV000185452.10), dbSNP rs772324268, ClinGen allele CA023215.

ClinVar aggregate classification (germline): Conflicting classifications of pathogenicity. Review status: criteria provided, conflicting classifications (1 of 4 stars). 3 submissions from 3 submitters: Uncertain significance (2); Likely benign (1). Last evaluated 2025-10-27.

Conditions:
Hereditary cancer-predisposing syndrome. Also called: Hereditary neoplastic syndrome; Neoplastic Syndromes, Hereditary; Tumor predisposition; Hereditary Cancer Syndrome. Identifiers: Orphanet 140162, MedGen C0027672, MeSH D009386, MONDO:0015356.
Hereditary breast ovarian cancer syndrome. Also called: Hereditary breast and ovarian cancer syndrome (HBOC); Breast and ovarian cancer; Hereditary breast and/or ovarian cancer syndrome; BRCA1- and BRCA2-Associated Hereditary Breast and Ovarian Cancer; Hereditary breast and ovarian cancer syndrome; Hereditary breast and ovarian cancer. Identifiers: Orphanet 145, MedGen C0677776, MeSH D061325, MONDO:0003582. Disease mechanism: loss of function.

Submissions (3):

Labcorp Genetics (formerly Invitae), Labcorp
Classification: Uncertain significance for Hereditary breast ovarian cancer syndrome. Last evaluated: 2025-10-27. Review status: criteria provided, single submitter. Criteria: Invitae Variant Classification Sherloc (09022015). Collection method: clinical testing. Allele origin: germline.
Comment: This sequence change replaces serine, which is neutral and polar, with arginine, which is basic and polar, at codon 1926 of the BRCA2 protein (p.Ser1926Arg). This variant is not present in population databases (gnomAD no frequency). This missense change has been observed in individual(s) with personal or family history of breast and/or ovarian cancer. (PMID: 21120943). ClinVar contains an entry for this variant (Variation ID: 185452). Invitae Evidence Modeling of protein sequence and biophysical properties (such as structural, functional, and spatial information, amino acid conservation, physicochemical variation, residue mobility, and thermodynamic stability) indicates that this missense variant is not expected to disrupt BRCA2 protein function with a negative predictive value of 95%. In summary, the available evidence is currently insufficient to determine the role of this variant in disease. Therefore, it has been classified as a Variant of Uncertain Significance.

University of Washington Department of Laboratory Medicine, University of Washington
Classification: Likely benign for Hereditary cancer-predisposing syndrome. Last evaluated: 2023-03-23. Review status: criteria provided, single submitter. Criteria: Dines et al. (Genet Med. 2020). Collection method: curation. Allele origin: germline.
Comment: Missense variant in a coldspot region where missense variants are very unlikely to be pathogenic (PMID:31911673).

BRCA2 exon 11 coldspot. Reclassification based on statistical prior probability.

Ambry Genetics
Classification: Uncertain significance for Hereditary cancer-predisposing syndrome. Last evaluated: 2015-08-21. Review status: criteria provided, single submitter. Criteria: Ambry Variant Classification Scheme 2023. Collection method: clinical testing. Allele origin: germline.
Comment: The p.S1926R variant (also known as c.5778T>A and 6006T>A), located in coding exon 10 of the BRCA2 gene, results from a T to A substitution at nucleotide position 5778. The serine at codon 1926 is replaced by arginine, an amino acid with dissimilar properties. This variant was not reported in population based cohorts in the following databases: Database of Single Nucleotide Polymorphisms (dbSNP), NHLBI Exome Sequencing Project (ESP), and 1000 Genomes Project. In the ESP, this variant was not observed in 6502 samples (13004 alleles) with coverage at this position. To date, this alteration has been detected with an allele frequency of approximately 0.002% (greater than 150000 alleles tested) in our clinical cohort. This amino acid position is not well conserved in available vertebrate species. In addition, the in silico prediction for this alteration is inconclusive. Since supporting evidence is limited at this time, the clinical significance of p.S1926R remains unclear.

Literature cited by the submitters: PubMed 21120943 (cited by Labcorp Genetics (formerly Invitae), Labcorp).